The following is an entry in ClinVar:

ClinVar aggregate classification (germline): Likely pathogenic (1 of 4 stars; one submission).

Conditions:
Usher syndrome type 1 (USH1). Also called: RETINITIS PIGMENTOSA AND CONGENITAL DEAFNESS. Identifiers: Orphanet 231169, Orphanet 886, MedGen C1568247, MONDO:0010168, OMIM 276900.

Submission:

Myriad Genetics, Inc.
Classification: Likely pathogenic for Usher syndrome type 1. Last evaluated: 2019-07-01. Review status: criteria provided, single submitter. Criteria: Myriad Women's Health Autosomal Recessive and X-Linked Classification Criteria (2019). Collection method: clinical testing. Allele origin: unknown.
Comment: NM_000260.3(MYO7A):c.4423G>T(E1475*) is expected to be pathogenic in the context of MYO7A-related disorders. This variant is predicted to lead to an abnormal or absent protein product due to the creation of a premature termination codon in MYO7A, a gene where loss-of-function variants are known to be pathogenic. Please note: this variant was assessed in the context of healthy population screening.

NM_000260.4(MYO7A):c.4423G>T (p.Glu1475Ter)

Gene: MYO7A (myosin VIIA; plus strand). Cytogenetic location: 11q13.5.
Variant type: single nucleotide variant.
Coding change: c.4423G>T on transcript NM_000260.4 (MANE Select); coding-DNA position 4423, G replaced by T.
Protein change: p.Glu1475Ter; replaces glutamic acid 1475 with a stop codon.
Molecular consequence: nonsense.
Genome position (GRCh38, 1-based): chr11:77,197,580, G>T. VCF-style: chr11-77197580-G-T. GRCh37 (hg19) VCF-style: chr11-76908625-G-T.
Other names: c.4423G>T, p.Glu1475Ter (NM_001127180.2); c.4390G>T, p.Glu1464Ter (NM_001369365.1); short protein forms E1464*, E1475*.
Identifiers: ClinVar variation 983735 (VCV000983735.3), dbSNP rs1956761177, ClinGen allele CA381950147.